The following is an entry in ClinVar:

NM_016169.4(SUFU):c.1212G>A (p.Met404Ile)

Gene: SUFU (SUFU negative regulator of hedgehog signaling; plus strand). Cytogenetic location: 10q24.32.
Variant type: single nucleotide variant.
Coding change: c.1212G>A on transcript NM_016169.4 (MANE Select); coding-DNA position 1212, G replaced by A.
Protein change: p.Met404Ile; replaces methionine 404 with isoleucine.
Molecular consequence: missense variant.
Genome position (GRCh38, 1-based): chr10:102,617,344, G>A. VCF-style: chr10-102617344-G-A. GRCh37 (hg19) VCF-style: chr10-104377101-G-A.
Other names: c.1212G>A, p.Met404Ile (NM_001178133.2); short protein forms M404I.
Identifiers: ClinVar variation 4793644 (VCV004793644.1).
Genomic context (GRCh38, chr10:102,617,344, plus strand): 5'-CTCCAGGGGCAGGCTCCTGCATGGACGGCACTTTACATATAAAAGTATCACAGGTGACAT[G>A]GCCATCACGTTTGTCTCCACGGGAGTGGAAGGCGCCTTTGCCACTGAGGAGCATCCTTAC-3'
Protein context (NP_057253.2, residues 394-414): HFTYKSITGD[Met404Ile]AITFVSTGVE

ClinVar aggregate classification (germline): Uncertain significance (1 of 4 stars; one submission).

Conditions:
Gorlin syndrome. Also called: Nevoid Basal Cell Carcinoma Syndrome; Basal cell nevus syndrome. Identifiers: Orphanet 377, MedGen C0004779, MONDO:0007187.
Medulloblastoma (MDB). Also called: MEDULLOBLASTOMA PREDISPOSITION SYNDROME; Medulloblastoma, somatic. Identifiers: Orphanet 616, MedGen C0025149, MeSH D008527, MONDO:0007959, OMIM 155255, HP:0002885.

Submission:

Labcorp Genetics (formerly Invitae), Labcorp
Classification: Uncertain significance for Gorlin syndrome; Medulloblastoma. Last evaluated: 2025-03-26. Review status: criteria provided, single submitter. Criteria: Invitae Variant Classification Sherloc (09022015). Collection method: clinical testing. Allele origin: germline.
Comment: This sequence change replaces methionine, which is neutral and non-polar, with isoleucine, which is neutral and non-polar, at codon 404 of the SUFU protein (p.Met404Ile). This variant is not present in population databases (gnomAD no frequency). This variant has not been reported in the literature in individuals affected with SUFU-related conditions. Invitae Evidence Modeling of protein sequence and biophysical properties (such as structural, functional, and spatial information, amino acid conservation, physicochemical variation, residue mobility, and thermodynamic stability) indicates that this missense variant is not expected to disrupt SUFU protein function with a negative predictive value of 80%. In summary, the available evidence is currently insufficient to determine the role of this variant in disease. Therefore, it has been classified as a Variant of Uncertain Significance.